The following is an entry in ClinVar:

NM_173660.5(DOK7):c.689G>A (p.Arg230His)

Genes: DOK7 (docking protein 7; plus strand), LOC129992118 (ATAC-STARR-seq lymphoblastoid silent region 15206; plus strand). Cytogenetic location: 4p16.3.
Variant type: single nucleotide variant.
Coding change: c.689G>A on transcript NM_173660.5 (MANE Select); coding-DNA position 689, G replaced by A.
Protein change: p.Arg230His; replaces arginine 230 with histidine.
Molecular consequence: missense variant. On other transcripts: synonymous variant (1), 5 prime UTR variant (1).
Genome position (GRCh38, 1-based): chr4:3,489,713, G>A. VCF-style: chr4-3489713-G-A. GRCh37 (hg19) VCF-style: chr4-3491440-G-A.
Other names: c.678G>A, p.Ala226= (NM_001164673.2); c.-242G>A (NM_001256896.2); c.689G>A, p.Arg230His (NM_001301071.2); c.257G>A, p.Arg86His (NM_001363811.2); short protein forms R230H, R86H.
Identifiers: ClinVar variation 954344 (VCV000954344.9), dbSNP rs760941977, ClinGen allele CA2829152.
Genomic context (GRCh38, chr4:3,489,713, plus strand): 5'-CACCGAGTCTTCTCTCTGCCACAGACCCAAGTCCCCCGGGACCCTCGACTGTGGAGGAGC[G>A]TGTGGCCCAGGAAGCCCTGGAAACCCTACAGCTGGAGAAGCGGCTGAGCCTCCTCTCACA-3'
Protein context (NP_775931.3, residues 220-240): SPPGPSTVEE[Arg230His]VAQEALETLQ

ClinVar aggregate classification (germline): Uncertain significance. Review status: criteria provided, multiple submitters, no conflicts (2 of 4 stars). 2 submissions from 2 submitters: Uncertain significance (2). Last evaluated 2022-08-20.

Conditions:
Congenital myasthenic syndrome 10. Also called: Myasthenia, limb-girdle, familial. Identifiers: Orphanet 590, MedGen C1850792, MONDO:0009690, OMIM 254300.
Fetal akinesia deformation sequence 1 (FADS1). Also called: Fetal akinesia sequence; Pena-Shokeir syndrome type I. Identifiers: Orphanet 994, MedGen C1276035, MONDO:0100101, OMIM 208150, HP:0001989.

Allele frequency attached by ClinVar (database versions not stated): gnomAD 0.00002; TOPMed 0.00002; ExAC 0.00004.
gnomAD v4.1: 31 of 1,564,462 alleles (0.002%); highest among the groups gnomAD compares: Middle Eastern, 0.017%; no homozygotes.

Submissions (2):

Labcorp Genetics (formerly Invitae), Labcorp
Classification: Uncertain significance for Congenital myasthenic syndrome 10; Fetal akinesia deformation sequence 1. Last evaluated: 2022-08-20. Review status: criteria provided, single submitter. Criteria: Invitae Variant Classification Sherloc (09022015). Collection method: clinical testing. Allele origin: germline.
Comment: This sequence change replaces arginine, which is basic and polar, with histidine, which is basic and polar, at codon 230 of the DOK7 protein (p.Arg230His). The frequency data for this variant in the population databases is considered unreliable, as metrics indicate poor data quality at this position in the gnomAD database. This variant has not been reported in the literature in individuals affected with DOK7-related conditions. ClinVar contains an entry for this variant (Variation ID: 954344). Algorithms developed to predict the effect of missense changes on protein structure and function are either unavailable or do not agree on the potential impact of this missense change (SIFT: "Deleterious"; PolyPhen-2: "Probably Damaging"; Align-GVGD: "Class C0"). In summary, the available evidence is currently insufficient to determine the role of this variant in disease. Therefore, it has been classified as a Variant of Uncertain Significance.

Revvity Omics, Revvity
Classification: Uncertain significance. Last evaluated: 2019-06-25. Review status: criteria provided, single submitter. Criteria: ACMG Guidelines, 2015. Collection method: clinical testing. Allele origin: germline.